The following is an entry in ClinVar:

NM_002608.4(PDGFB):c.598C>T (p.Arg200Ter)

Gene: PDGFB (platelet derived growth factor subunit B; minus strand). Cytogenetic location: 22q13.1.
Variant type: single nucleotide variant.
Coding change: c.598C>T on transcript NM_002608.4 (MANE Select); coding-DNA position 598, C replaced by T.
Protein change: p.Arg200Ter; replaces arginine 200 with a stop codon.
Molecular consequence: nonsense.
Genome position (GRCh38, 1-based): chr22:39,230,087, G>A on the plus strand (C>T on the coding strand, the complement: PDGFB is on the minus strand). VCF-style: chr22-39230087-G-A. GRCh37 (hg19) VCF-style: chr22-39626092-G-A.
Other names: p.R200*; c.553C>T, p.Arg185Ter (NM_033016.3); short protein forms R185*, R200*.
Identifiers: ClinVar variation 1690643 (VCV001690643.5), dbSNP rs1932260742, ClinGen allele CA411599338.

ClinVar aggregate classification (germline): Conflicting classifications of pathogenicity. Review status: criteria provided, conflicting classifications (1 of 4 stars). 2 submissions from 2 submitters: Likely pathogenic (1); Uncertain significance (1). Last evaluated 2025-10-06.

Conditions:
Basal ganglia calcification, idiopathic, 5. Also called: PRIMARY FAMILIAL BRAIN CALCIFICATION 5, AUTOSOMAL DOMINANT. Identifiers: Orphanet 1980, MedGen C3809645, MONDO:0014204, OMIM 615483.

Allele frequency attached by ClinVar (database versions not stated): gnomAD exomes below 0.00001.

Submissions (2):

GeneDx
Classification: Uncertain significance. Last evaluated: 2025-10-06. Review status: criteria provided, single submitter. Criteria: GeneDx Variant Classification Process June 2021. Collection method: clinical testing. Allele origin: germline.
Comment: Nonsense variant predicted to result in protein truncation as the last 42 amino acid(s) are lost; Not observed at significant frequency in large population cohorts (gnomAD); This variant is associated with the following publications: (PMID: 37547187)

Undiagnosed Diseases Network, NIH
Classification: Likely pathogenic for Basal ganglia calcification, idiopathic, 5. Last evaluated: 2020-05-07. Review status: criteria provided, single submitter. Criteria: ACMG Guidelines, 2015. Collection method: clinical testing. Allele origin: paternal. Inheritance: Autosomal dominant inheritance. Affected: yes. Observed: 1 variant allele, 1 heterozygote. Study: Undiagnosed Diseases Network (NIH), UDN.